The following is an entry in ClinVar:

NM_002618.4(PEX13):c.70C>T (p.Pro24Ser)

Genes: PEX13 (peroxisomal biogenesis factor 13; plus strand), PUS10 (pseudouridine synthase 10; minus strand). Cytogenetic location: 2p15.
Variant type: single nucleotide variant.
Coding change: c.70C>T on transcript NM_002618.4 (MANE Select); coding-DNA position 70, C replaced by T.
Protein change: p.Pro24Ser; replaces proline 24 with serine.
Molecular consequence: missense variant. On other transcripts: intron variant (2).
Genome position (GRCh38, 1-based): chr2:61,017,829, C>T. VCF-style: chr2-61017829-C-T. GRCh37 (hg19) VCF-style: chr2-61244964-C-T.
Other names: c.-16+179G>A (NM_144709.4); c.-623+179G>A (NM_001322127.1); short protein forms P24S.
Identifiers: ClinVar variation 2082913 (VCV002082913.1), dbSNP rs1680112668, ClinGen allele CA346937121.

ClinVar aggregate classification (germline): Uncertain significance (1 of 4 stars; one submission).

Conditions:
Peroxisome biogenesis disorder 11A (Zellweger). Also called: Peroxisome biogenesis disorder 11A. Identifiers: Orphanet 912, MedGen C3554000, MONDO:0013949, OMIM 614883.

Allele frequency attached by ClinVar (database versions not stated): gnomAD exomes below 0.00001.
gnomAD v4.1: 1 of 1,550,512 alleles (0.000064%); highest among the groups gnomAD compares: Non-Finnish European, 0.000087%; no homozygotes.

Submission:

Labcorp Genetics (formerly Invitae), Labcorp
Classification: Uncertain significance for Peroxisome biogenesis disorder 11A (Zellweger). Last evaluated: 2022-01-19. Review status: criteria provided, single submitter. Criteria: Invitae Variant Classification Sherloc (09022015). Collection method: clinical testing. Allele origin: germline.
Comment: This sequence change replaces proline, which is neutral and non-polar, with serine, which is neutral and polar, at codon 24 of the PEX13 protein (p.Pro24Ser). This variant is not present in population databases (gnomAD no frequency). This variant has not been reported in the literature in individuals affected with PEX13-related conditions. Algorithms developed to predict the effect of missense changes on protein structure and function output the following: SIFT: "Tolerated"; PolyPhen-2: "Benign"; Align-GVGD: "Class C0". The serine amino acid residue is found in multiple mammalian species, which suggests that this missense change does not adversely affect protein function. In summary, the available evidence is currently insufficient to determine the role of this variant in disease. Therefore, it has been classified as a Variant of Uncertain Significance.